The following is an entry in ClinVar:

NM_001100.4(ACTA1):c.758G>A (p.Gly253Asp)

Gene: ACTA1 (actin alpha 1, skeletal muscle; minus strand). Cytogenetic location: 1q42.13.
Variant type: single nucleotide variant.
Coding change: c.758G>A on transcript NM_001100.4 (MANE Select); coding-DNA position 758, G replaced by A.
Protein change: p.Gly253Asp; replaces glycine 253 with aspartic acid.
Molecular consequence: missense variant.
Genome position (GRCh38, 1-based): chr1:229,432,044, C>T on the plus strand (G>A on the coding strand, the complement: ACTA1 is on the minus strand). VCF-style: chr1-229432044-C-T. GRCh37 (hg19) VCF-style: chr1-229567791-C-T.
Other names: short protein forms G253D.
Identifiers: ClinVar variation 2734105 (VCV002734105.3), dbSNP rs2527437138, ClinGen allele CA345146645.

ClinVar aggregate classification (germline): Likely pathogenic (1 of 4 stars; one submission).

Conditions:
Actin accumulation myopathy (CMYO2A). Also called: Myopathy, actin, congenital, with cores; Nemaline myopathy 3, with intranuclear rods; Nemaline myopathy type 3; Myopathy, actin, congenital, with excess of thin myofilaments; CONGENITAL MYOPATHY 2A, TYPICAL, AUTOSOMAL DOMINANT. Identifiers: Orphanet 98904, MedGen C3711389, MONDO:0008070, OMIM 161800.

Submission:

Labcorp Genetics (formerly Invitae), Labcorp
Classification: Likely pathogenic for Actin accumulation myopathy. Last evaluated: 2025-02-25. Review status: criteria provided, single submitter. Criteria: Invitae Variant Classification Sherloc (09022015). Collection method: clinical testing. Allele origin: germline.
Comment: This sequence change replaces glycine, which is neutral and non-polar, with aspartic acid, which is acidic and polar, at codon 253 of the ACTA1 protein (p.Gly253Asp). This variant is not present in population databases (gnomAD no frequency). This missense change has been observed in individual(s) with nemaline myopathy (PMID: 15236405). In at least one individual the variant was observed to be de novo. This variant is also known as p.Gly251Asp. ClinVar contains an entry for this variant (Variation ID: 2734105). Invitae Evidence Modeling of protein sequence and biophysical properties (such as structural, functional, and spatial information, amino acid conservation, physicochemical variation, residue mobility, and thermodynamic stability) indicates that this missense variant is not expected to disrupt ACTA1 protein function with a negative predictive value of 80%. This variant disrupts the p.Gly253 amino acid residue in ACTA1. Other variant(s) that disrupt this residue have been determined to be pathogenic (internal data). This suggests that this residue is clinically significant, and that variants that disrupt this residue are likely to be disease-causing. In summary, the currently available evidence indicates that the variant is pathogenic, but additional data are needed to prove that conclusively. Therefore, this variant has been classified as Likely Pathogenic.

Literature cited by the submitters: PubMed 15236405.